The following is an entry in ClinVar:

ClinVar aggregate classification (germline): Uncertain significance (1 of 4 stars; one submission).

Conditions:
Long QT syndrome (LQTS). Identifiers: MedGen C0023976, MeSH D008133, MONDO:0002442. Disease mechanism: loss of function. Inheritance: Various modes of inheritance.

Submission:

Labcorp Genetics (formerly Invitae), Labcorp
Classification: Uncertain significance for Long QT syndrome. Last evaluated: 2022-04-10. Review status: criteria provided, single submitter. Criteria: Invitae Variant Classification Sherloc (09022015). Collection method: clinical testing. Allele origin: germline.
Comment: In summary, the available evidence is currently insufficient to determine the role of this variant in disease. Therefore, it has been classified as a Variant of Uncertain Significance. Experimental studies and prediction algorithms are not available or were not evaluated, and the functional significance of this variant is currently unknown. This variant has not been reported in the literature in individuals affected with AKAP9-related conditions. This variant is a gross deletion of the genomic region encompassing exon(s) 4-7 of the AKAP9 gene. This variant would be expected to be in-frame, preserving the integrity of the reading frame.

NC_000007.13:g.(?_91621452)_(91625134_?)del

Gene: AKAP9 (A-kinase anchoring protein 9; plus strand). Cytogenetic location: 7q21.2.
Variant type: Deletion.
Identifiers: ClinVar variation 2425414 (VCV002425414.4).